The following is an entry in ClinVar:

ClinVar aggregate classification (germline): Uncertain significance. Review status: criteria provided, multiple submitters, no conflicts (2 of 4 stars). 3 submissions from 3 submitters: Uncertain significance (3). Last evaluated 2025-11-26.

Conditions:
Inborn genetic diseases. Identifiers: MedGen C0950123, MeSH D030342.
Malignant hyperthermia, susceptibility to, 1 (MHS1). Also called: RYR1-Related Malignant Hyperthermia Susceptibility; Malignant hyperthermia suceptibility 1; Anesthesia related hyperthermia; Malignant hyperpyrexia; Fulminating hyperpyrexia; Pharmacogenic myopathy. Identifiers: Orphanet 423, MedGen C2930980, MONDO:0007783, OMIM 145600.
RYR1-related disorder. Also called: RYR1-related condition; RYR1-related disorders. Identifiers: MedGen CN239331.

Allele frequency attached by ClinVar (database versions not stated): gnomAD exomes 0.00001 and 0.00002; gnomAD 0.00003; ExAC 0.00004; TOPMed 0.00004; 1000 Genomes Project 30x 0.00031.
gnomAD v4.1: 24 of 1,560,250 alleles (0.0015%); highest among the groups gnomAD compares: African/African-American, 0.011%; no homozygotes.

Submissions (3):

Ambry Genetics
Classification: Uncertain significance for Inborn genetic diseases. Last evaluated: 2025-11-26. Review status: criteria provided, single submitter. Criteria: Ambry Variant Classification Scheme 2023. Collection method: clinical testing. Allele origin: germline.

Labcorp Genetics (formerly Invitae), Labcorp
Classification: Uncertain significance for RYR1-related disorder. Last evaluated: 2024-11-27. Review status: criteria provided, single submitter. Criteria: Invitae Variant Classification Sherloc (09022015). Collection method: clinical testing. Allele origin: germline.
Comment: This sequence change replaces proline, which is neutral and non-polar, with leucine, which is neutral and non-polar, at codon 1586 of the RYR1 protein (p.Pro1586Leu). The frequency data for this variant in the population databases is considered unreliable, as metrics indicate poor data quality at this position in the gnomAD database. This variant has not been reported in the literature in individuals affected with RYR1-related conditions. ClinVar contains an entry for this variant (Variation ID: 956170). Invitae Evidence Modeling of protein sequence and biophysical properties (such as structural, functional, and spatial information, amino acid conservation, physicochemical variation, residue mobility, and thermodynamic stability) indicates that this missense variant is not expected to disrupt RYR1 protein function with a negative predictive value of 80%. In summary, the available evidence is currently insufficient to determine the role of this variant in disease. Therefore, it has been classified as a Variant of Uncertain Significance.

Color Diagnostics, LLC DBA Color Health
Classification: Uncertain significance for Malignant hyperthermia, susceptibility to, 1. Last evaluated: 2024-01-30. Review status: criteria provided, single submitter. Criteria: ACMG Guidelines, 2015. Collection method: clinical testing. Allele origin: germline.
Comment: This missense variant replaces proline with leucine at codon 1586 of the RYR1 protein. Computational prediction suggests that this variant may not impact protein structure and function. To our knowledge, functional studies have not been reported for this variant. This variant has not been reported in individuals affected with RYR1-related disorders in the literature. This variant has been identified in 4/198230 chromosomes in the general population by the Genome Aggregation Database (gnomAD). The available evidence is insufficient to determine the role of this variant in disease conclusively. Therefore, this variant is classified as a Variant of Uncertain Significance.

NM_000540.3(RYR1):c.4757C>T (p.Pro1586Leu)

Gene: RYR1 (ryanodine receptor 1; plus strand). Cytogenetic location: 19q13.2.
Variant type: single nucleotide variant.
Coding change: c.4757C>T on transcript NM_000540.3 (MANE Select); coding-DNA position 4757, C replaced by T.
Protein change: p.Pro1586Leu; replaces proline 1586 with leucine.
Molecular consequence: missense variant.
Genome position (GRCh38, 1-based): chr19:38,483,339, C>T. VCF-style: chr19-38483339-C-T. GRCh37 (hg19) VCF-style: chr19-38973979-C-T.
Other names: c.4757C>T, p.Pro1586Leu (NM_001042723.2); short protein forms P1586L.
Identifiers: ClinVar variation 956170 (VCV000956170.8), dbSNP rs752060627, ClinGen allele CA066423.